The following is an entry in ClinVar:

ClinVar aggregate classification (germline): Uncertain significance (1 of 4 stars; one submission).

Conditions:
Fanconi anemia (FA). Also called: Fanconi's anemia. Identifiers: Orphanet 84, MedGen C0015625, MeSH D005199, MONDO:0019391.

Allele frequency attached by ClinVar (database versions not stated): gnomAD exomes below 0.00001.
gnomAD v4.1: 1 of 1,612,826 alleles (0.000062%); highest among the groups gnomAD compares: East Asian, 0.0022%; no homozygotes.

Submission:

Labcorp Genetics (formerly Invitae), Labcorp
Classification: Uncertain significance for Fanconi anemia. Last evaluated: 2021-08-31. Review status: criteria provided, single submitter. Criteria: Invitae Variant Classification Sherloc (09022015). Collection method: clinical testing. Allele origin: germline.
Comment: This sequence change replaces serine with tyrosine at codon 619 of the FANCA protein (p.Ser619Tyr). The serine residue is moderately conserved and there is a large physicochemical difference between serine and tyrosine. This variant is not present in population databases (ExAC no frequency). This variant has not been reported in the literature in individuals affected with FANCA-related conditions. Algorithms developed to predict the effect of missense changes on protein structure and function are either unavailable or do not agree on the potential impact of this missense change (SIFT: "Tolerated"; PolyPhen-2: "Possibly Damaging"; Align-GVGD: "Class C0"). In summary, the available evidence is currently insufficient to determine the role of this variant in disease. Therefore, it has been classified as a Variant of Uncertain Significance.

NM_000135.4(FANCA):c.1856C>A (p.Ser619Tyr)

Gene: FANCA (FA complementation group A; minus strand). Cytogenetic location: 16q24.3.
Variant type: single nucleotide variant.
Coding change: c.1856C>A on transcript NM_000135.4 (MANE Select); coding-DNA position 1856, C replaced by A.
Protein change: p.Ser619Tyr; replaces serine 619 with tyrosine.
Molecular consequence: missense variant.
Genome position (GRCh38, 1-based): chr16:89,775,786, G>T on the plus strand (C>A on the coding strand, the complement: FANCA is on the minus strand). VCF-style: chr16-89775786-G-T. GRCh37 (hg19) VCF-style: chr16-89842194-G-T.
Other names: c.1856C>A, p.Ser619Tyr (NM_001286167.3); short protein forms S619Y.
Identifiers: ClinVar variation 1045390 (VCV001045390.6), dbSNP rs2039480405, ClinGen allele CA397451994.